The following is an entry in ClinVar:

NM_006914.4(RORB):c.386G>C (p.Gly129Ala)

Gene: RORB (RAR related orphan receptor B; plus strand). Cytogenetic location: 9q21.13.
Variant type: single nucleotide variant.
Coding change: c.386G>C on transcript NM_006914.4 (MANE Select); coding-DNA position 386, G replaced by C.
Protein change: p.Gly129Ala; replaces glycine 129 with alanine.
Molecular consequence: missense variant.
Genome position (GRCh38, 1-based): chr9:74,642,564, G>C. VCF-style: chr9-74642564-G-C. GRCh37 (hg19) VCF-style: chr9-77257480-G-C.
Other names: c.419G>C, p.Gly140Ala (NM_001365023.1); short protein forms G129A, G140A.
Identifiers: ClinVar variation 2063067 (VCV002063067.4), dbSNP rs1433061001, ClinGen allele CA373769747.

ClinVar aggregate classification (germline): Uncertain significance (1 of 4 stars; one submission).

Allele frequency attached by ClinVar (database versions not stated): gnomAD exomes below 0.00001.

Submission:

Labcorp Genetics (formerly Invitae), Labcorp
Classification: Uncertain significance. Last evaluated: 2024-08-24. Review status: criteria provided, single submitter. Criteria: Invitae Variant Classification Sherloc (09022015). Collection method: clinical testing. Allele origin: germline.
Comment: This sequence change replaces glycine, which is neutral and non-polar, with alanine, which is neutral and non-polar, at codon 129 of the RORB protein (p.Gly129Ala). This variant is present in population databases (no rsID available, gnomAD 0.003%). This variant has not been reported in the literature in individuals affected with RORB-related conditions. ClinVar contains an entry for this variant (Variation ID: 2063067). An algorithm developed to predict the effect of missense changes on protein structure and function (PolyPhen-2) suggests that this variant is likely to be tolerated. In summary, the available evidence is currently insufficient to determine the role of this variant in disease. Therefore, it has been classified as a Variant of Uncertain Significance.